The following is an entry in ClinVar:

ClinVar aggregate classification (germline): Conflicting classifications of pathogenicity. Review status: criteria provided, conflicting classifications (1 of 4 stars). 11 submissions from 10 submitters: Uncertain significance (9); Likely benign (2). Last evaluated 2026-07-29.

Conditions:
CDK4-related disorder. Also called: CDK4-related condition.
Familial melanoma. Also called: Hereditary melanoma; Hereditary cutaneous melanoma. Identifiers: Orphanet 618, MedGen C1512419, MONDO:0018961.
Hereditary cancer-predisposing syndrome. Also called: Neoplastic Syndromes, Hereditary; Tumor predisposition; Hereditary neoplastic syndrome; Hereditary Cancer Syndrome. Identifiers: Orphanet 140162, MedGen C0027672, MeSH D009386, MONDO:0015356.
Melanoma, cutaneous malignant, susceptibility to, 3. Also called: Cutaneous malignant melanoma 3. Identifiers: Orphanet 618, MedGen C1836892, MONDO:0012183, OMIM 609048.

Allele frequency attached by ClinVar (database versions not stated): ExAC 0.00006; gnomAD exomes 0.00006 and 0.00014; gnomAD 0.00012 and 0.00013; TOPMed 0.00012.
gnomAD v4.1: 212 of 1,613,828 alleles (0.013%); highest among the groups gnomAD compares: Non-Finnish European, 0.017%; 1 homozygote.

Submissions (13):

PreventionGenetics, part of Exact Sciences
Classification: Uncertain significance for CDK4-related condition. Last evaluated: 2026-07-29. Review status: criteria provided, single submitter. Criteria: ACMG Guidelines, 2015. Collection method: clinical testing. Allele origin: germline.
Comment: The CDK4 c.779T>A variant is predicted to result in the amino acid substitution p.Val260Glu. This variant has been identified in an individual with a history of Lynch syndrome associated cancer and/or colorectal polyps (Table S2, Yurgelun et al. 2015. PubMed ID: 25980754). This variant was also reported in a breast cancer cohort (Supplementary data, Tung et al. 2015. PubMed ID: 25186627). This variant is reported in 0.012% of alleles in individuals of European (Non-Finnish) descent in gnomAD and has conflicting interpretations regarding its pathogenicity in ClinVar, ranging from uncertain to likely benign (Variation ID: 182405). At this time, the clinical significance of this variant is uncertain due to the absence of conclusive functional and genetic evidence.

Labcorp Genetics (formerly Invitae), Labcorp
Classification: Uncertain significance for Familial melanoma. Last evaluated: 2025-01-23. Review status: criteria provided, single submitter. Criteria: Invitae Variant Classification Sherloc (09022015). Collection method: clinical testing. Allele origin: germline.
Comment: This sequence change replaces valine, which is neutral and non-polar, with glutamic acid, which is acidic and polar, at codon 260 of the CDK4 protein (p.Val260Glu). This variant is present in population databases (rs200215596, gnomAD 0.01%). This missense change has been observed in individual(s) with clinical features of Lynch syndrome (PMID: 25980754, 34326862). ClinVar contains an entry for this variant (Variation ID: 182405). Invitae Evidence Modeling of protein sequence and biophysical properties (such as structural, functional, and spatial information, amino acid conservation, physicochemical variation, residue mobility, and thermodynamic stability) indicates that this missense variant is not expected to disrupt CDK4 protein function with a negative predictive value of 95%. Algorithms developed to predict the effect of sequence changes on RNA splicing suggest that this variant may create or strengthen a splice site. In summary, the available evidence is currently insufficient to determine the role of this variant in disease. Therefore, it has been classified as a Variant of Uncertain Significance.

Women's Health and Genetics/Laboratory Corporation of America, LabCorp
Classification: Likely benign. Last evaluated: 2024-07-29. Review status: criteria provided, single submitter. Criteria: LabCorp Variant Classification Summary - May 2015. Collection method: clinical testing. Allele origin: germline.
Comment: Variant summary: CDK4 c.779T>A (p.Val260Glu) results in a non-conservative amino acid change located in the protein kinase domain (IPR000719) of the encoded protein sequence. Three of five in-silico tools predict a damaging effect of the variant on protein function. The variant allele was found at a frequency of 0.00013 in 1613828 control chromosomes, predominantly at a frequency of 0.00017 within the Non-Finnish European subpopulation in the gnomAD database, including 1 homozygote (gnomAD v4.1.0). The observed variant frequency within Non-Finnish European control individuals in the gnomAD database is approximately 8.5 fold of the estimated maximal expected allele frequency for a pathogenic variant in CDK4 causing Cutaneous Malignant Melanoma phenotype (2e-05). c.779T>A has been reported in the literature in individuals undergoing hereditary cancer testing, individuals with breast cancer or head and neck squamous cell carcinoma (examples: Tung_Cancer_2015, Bhai_FG_2021, Lechner_GM_2013) without strong evidence for or against pathogenicity. These report(s) do not provide unequivocal conclusions about association of the variant with Cutaneous Malignant Melanoma. To our knowledge, no experimental evidence demonstrating an impact on protein function has been reported. The following publications have been ascertained in the context of this evaluation (PMID: 25186627, 34326862, 23718828). ClinVar contains an entry for this variant (Variation ID: 182405). Based on the evidence outlined above, the variant was classified as likely benign.

Molecular Pathology, Peter Maccallum Cancer Centre
Classification: Uncertain significance for Melanoma, cutaneous malignant, susceptibility to, 3. Last evaluated: 2024-04-30. Review status: criteria provided, single submitter. Criteria: ACMG Guidelines, 2015. Collection method: clinical testing. Allele origin: germline. Inheritance: Autosomal dominant inheritance.

St. Jude Molecular Pathology, St. Jude Children's Research Hospital
Classification: Uncertain significance for Melanoma, cutaneous malignant, susceptibility to, 3. Last evaluated: 2023-09-08. Review status: criteria provided, single submitter. Criteria: St. Jude Assertion Criteria 2020. Collection method: clinical testing. Allele origin: germline.
Comment: The CDK4 c.779T>A (p.Val260Glu) missense change has a maximum subpopulation frequency of 0.012% in gnomAD v2.1.1. The in silico tool REVEL predicts a benign effect on protein function, but to our knowledge this prediction has not been confirmed by functional studies. This variant has been reported in individuals with breast cancer (PMID: 25186627) and Lynch syndrome (PMID: 25980754). To our knowledge, this variant has not been reported in individuals with familial melanoma. In summary, the evidence currently available is insufficient to determine the clinical significance of this variant. It has therefore been classified as of uncertain significance.

GeneDx
Classification: Uncertain significance. Last evaluated: 2023-08-30. Review status: criteria provided, single submitter. Criteria: GeneDx Variant Classification Process June 2021. Collection method: clinical testing. Allele origin: germline. Affected: yes.
Comment: In silico analysis supports that this missense variant has a deleterious effect on protein structure/function; In silico analysis supports a deleterious effect on splicing; Observed in individuals with breast cancer, thyroid cancer, or history concerning for Lynch Syndrome (Yurgelun et al., 2015; Bhai et al., 2021); This variant is associated with the following publications: (PMID: 23718828, 26252490, 25980754, 34326862)

St. Jude Molecular Pathology, St. Jude Children's Research Hospital
Classification: Uncertain significance for Familial melanoma. Last evaluated: 2021-11-11. Review status: criteria provided, single submitter. Criteria: St. Jude Assertion Criteria 2020. Collection method: clinical testing. Allele origin: germline.
Comment: The CDK4 c c.779T>A (p.Val260Glu) missense change has a maximum subpopulation frequency of 0.012% in gnomAD v2.1.1. Five of seven in silico tools predict a benign effect of this variant on protein function (BP4), but to our knowledge these predictions have not been confirmed by functional studies. This variant has been reported in individuals with breast cancer (PMID: 25186627) and Lynch syndrome (PMID: 25980754). To our knowledge, this variant has not been reported in individuals with familial melanoma. In summary, this variant meets criteria to be classified as of uncertain significance based on the ACMG/AMP criteria: BP4.

Department of Pathology and Laboratory Medicine, Sinai Health System
Classification: Uncertain significance for melanoma, cutaneous malignant, susceptibility to, 3. Last evaluated: 2021-07-30. Review status: criteria provided, single submitter. Criteria: ACMG Guidelines, 2015. Collection method: research. Allele origin: germline.

Ambry Genetics
Classification: Likely benign for Hereditary cancer-predisposing syndrome. Last evaluated: 2019-05-06. Review status: criteria provided, single submitter. Criteria: Ambry Variant Classification Scheme 2023. Collection method: clinical testing. Allele origin: germline.

Fulgent Genetics
Classification: Uncertain significance for Melanoma, cutaneous malignant, susceptibility to, 3. Last evaluated: 2018-10-31. Review status: criteria provided, single submitter. Criteria: ACMG Guidelines, 2015. Collection method: clinical testing. Allele origin: unknown.

Quest Diagnostics Nichols Institute San Juan Capistrano
Classification: Uncertain significance. Last evaluated: 2017-05-02. Review status: criteria provided, single submitter. Criteria: Quest Diagnostics criteria. Collection method: clinical testing. Allele origin: germline.

Dr. Peter K. Rogan Lab, Western University
No classification provided (evidence only). Condition: Lung cancer. Review status: no classification provided. Collection method: in vitro. Allele origin: not applicable. Functional consequence: cryptic splice site, retained intron. Not counted in ClinVar's aggregate classification.

Dr. Peter K. Rogan Lab, Western University
No classification provided (evidence only). Condition: Malignant tumor of esophagus. Review status: no classification provided. Collection method: in vitro. Allele origin: not applicable. Functional consequence: cryptic splice site, retained intron. Not counted in ClinVar's aggregate classification.

Literature cited by the submitters: PubMed 25980754 (cited by Labcorp Genetics (formerly Invitae), Labcorp and Quest Diagnostics Nichols Institute San Juan Capistrano); PubMed 34326862 (cited by Labcorp Genetics (formerly Invitae), Labcorp and Women's Health and Genetics/Laboratory Corporation of America, LabCorp); PubMed 25186627 (cited by Women's Health and Genetics/Laboratory Corporation of America, LabCorp); PubMed 23718828 (cited by Women's Health and Genetics/Laboratory Corporation of America, LabCorp and Quest Diagnostics Nichols Institute San Juan Capistrano); PubMed 26252490 (cited by Quest Diagnostics Nichols Institute San Juan Capistrano).

NM_000075.4(CDK4):c.779T>A (p.Val260Glu)

Genes: CDK4 (cyclin dependent kinase 4; minus strand), TSPAN31 (tetraspanin 31; plus strand). Cytogenetic location: 12q14.1.
Variant type: single nucleotide variant.
Coding change: c.779T>A on transcript NM_000075.4 (MANE Select); coding-DNA position 779, T replaced by A.
Protein change: p.Val260Glu; replaces valine 260 with glutamic acid.
Molecular consequence: missense variant. On other transcripts: 3 prime UTR variant (3).
Genome position (GRCh38, 1-based): chr12:57,749,222, A>T on the plus strand (T>A on the coding strand, the complement: CDK4 is on the minus strand). VCF-style: chr12-57749222-A-T. GRCh37 (hg19) VCF-style: chr12-58143005-A-T.
Other names: p.V260E:GTG>GAG; c.*1932A>T (NM_005981.5, NM_001330168.2, NM_001330169.2); short protein forms V260E.
Identifiers: ClinVar variation 182405 (VCV000182405.31), dbSNP rs200215596, ClinGen allele CA299013.